The following is an entry in ClinVar:

ClinVar aggregate classification (germline): Uncertain significance. Review status: criteria provided, multiple submitters, no conflicts (2 of 4 stars). 3 submissions from 3 submitters: Uncertain significance (3). Last evaluated 2024-04-04.

Conditions:
Inborn genetic diseases. Identifiers: MedGen C0950123, MeSH D030342.
Arterial calcification, generalized, of infancy, 2. Identifiers: Orphanet 51608, MedGen C3276161, MONDO:0013768, OMIM 614473.
Autosomal recessive inherited pseudoxanthoma elasticum (PXE). Identifiers: Orphanet 758, MedGen CN032334, MONDO:0009925, OMIM 264800.
Pseudoxanthoma elasticum, forme fruste. Also called: Pseudoxanthoma Elasticum, Incomplete; PSEUDOXANTHOMA ELASTICUM, HETEROZYGOUS. Identifiers: Orphanet 758, MedGen C1867450, MONDO:0008333, OMIM 177850.

Allele frequency attached by ClinVar (database versions not stated): gnomAD exomes 0.00002; TOPMed 0.00003; gnomAD 0.00004.

Submissions (3):

Ambry Genetics
Classification: Uncertain significance for Inborn genetic diseases. Last evaluated: 2024-04-04. Review status: criteria provided, single submitter. Criteria: Ambry Variant Classification Scheme 2023. Collection method: clinical testing. Allele origin: germline.

Fulgent Genetics
Classification: Uncertain significance for Pseudoxanthoma elasticum, forme fruste; Autosomal recessive inherited pseudoxanthoma elasticum; Arterial calcification, generalized, of infancy, 2. Last evaluated: 2021-10-01. Review status: criteria provided, single submitter. Criteria: ACMG Guidelines, 2015. Collection method: clinical testing. Allele origin: unknown.

GeneDx
Classification: Uncertain significance. Last evaluated: 2021-01-05. Review status: criteria provided, single submitter. Criteria: GeneDx Variant Classification Process June 2021. Collection method: clinical testing. Allele origin: germline. Affected: yes.
Comment: In silico analysis supports that this missense variant does not alter protein structure/function; Has not been previously published as pathogenic or benign to our knowledge

NM_001171.6(ABCC6):c.259G>A (p.Val87Met)

Gene: ABCC6 (ATP binding cassette subfamily C member 6; minus strand). Cytogenetic location: 16p13.11.
Variant type: single nucleotide variant.
Coding change: c.259G>A on transcript NM_001171.6 (MANE Select); coding-DNA position 259, G replaced by A.
Protein change: p.Val87Met; replaces valine 87 with methionine.
Molecular consequence: missense variant. On other transcripts: 5 prime UTR variant (1), non-coding transcript variant (1).
Genome position (GRCh38, 1-based): chr16:16,219,908, C>T on the plus strand (G>A on the coding strand, the complement: ABCC6 is on the minus strand). VCF-style: chr16-16219908-C-T. GRCh37 (hg19) VCF-style: chr16-16313765-C-T.
Other names: c.-84G>A (NM_001351800.1); short protein forms V87M.
Identifiers: ClinVar variation 1313790 (VCV001313790.4), dbSNP rs1021031399, ClinGen allele CA278671556.